The following is an entry in ClinVar:

NM_031407.7(HUWE1):c.8345A>G (p.Glu2782Gly)

Gene: HUWE1 (HECT, UBA and WWE domain containing E3 ubiquitin protein ligase 1; minus strand). Cytogenetic location: Xp11.22.
Variant type: single nucleotide variant.
Coding change: c.8345A>G on transcript NM_031407.7 (MANE Select); coding-DNA position 8345, A replaced by G.
Protein change: p.Glu2782Gly; replaces glutamic acid 2782 with glycine.
Molecular consequence: missense variant.
Genome position (GRCh38, 1-based): chrX:53,554,782, T>C on the plus strand (A>G on the coding strand, the complement: HUWE1 is on the minus strand). VCF-style: chrX-53554782-T-C. GRCh37 (hg19) VCF-style: chrX-53581743-T-C.
Other names: short protein forms E2782G.
Identifiers: ClinVar variation 3345848 (VCV003345848.1).

ClinVar aggregate classification (germline): Uncertain significance (0 of 4 stars; one submission).

Conditions:
HUWE1-related disorder. Also called: HUWE1-related condition.

Submission:

PreventionGenetics, part of Exact Sciences
Classification: Uncertain significance for HUWE1-related condition. Last evaluated: 2024-07-11. Review status: no assertion criteria provided. Collection method: clinical testing. Allele origin: germline.
Comment: The HUWE1 c.8345A>G variant is predicted to result in the amino acid substitution p.Glu2782Gly. To our knowledge, this variant has not been reported in the literature or in a large population database, indicating this variant is rare. At this time, the clinical significance of this variant is uncertain due to the absence of conclusive functional and genetic evidence.